The following is an entry in ClinVar:

NC_000009.12:g.(?_136434037)_(136457584_?)dup

Genes: INPP5E (inositol polyphosphate-5-phosphatase E; minus strand), SEC16A (SEC16 homolog A, endoplasmic reticulum export factor; minus strand). Cytogenetic location: 9q34.3.
Variant type: Duplication.
Identifiers: ClinVar variation 832537 (VCV000832537.2).

ClinVar aggregate classification (germline): Uncertain significance (1 of 4 stars; one submission).

Conditions:
Joubert syndrome. Also called: CEREBELLOPARENCHYMAL DISORDER IV; JOUBERT-BOLTSHAUSER SYNDROME; Familial aplasia of the vermis. Identifiers: Orphanet 475, MedGen C5979921, MONDO:0018772.

Submission:

Labcorp Genetics (formerly Invitae), Labcorp
Classification: Uncertain significance for Joubert syndrome. Last evaluated: 2019-12-23. Review status: criteria provided, single submitter. Criteria: Invitae Variant Classification Sherloc (09022015). Collection method: clinical testing. Allele origin: germline.
Comment: This variant results in a copy number gain of the genomic region encompassing exons 1-3 of the INPP5E gene. The 5' end of this event is unknown as it extends beyond the assayed region for this gene and therefore may encompass additional genes. The 3' boundary is likely confined to intron 3 of the INPP5E gene. As the precise location of this event is unknown, it may be in tandem or it may be located elsewhere in the genome. This variant has not been reported in the literature in individuals with INPP5E-related conditions. In summary, the available evidence is currently insufficient to determine the role of this variant in disease. Therefore, it has been classified as a Variant of Uncertain Significance.